The following is an entry in ClinVar:

ClinVar aggregate classification (germline): Uncertain significance. Review status: criteria provided, multiple submitters, no conflicts (2 of 4 stars). 3 submissions from 3 submitters: Uncertain significance (3). Last evaluated 2026-08-01.

Conditions:
Inborn genetic diseases. Identifiers: MedGen C0950123, MeSH D030342.

Allele frequency attached by ClinVar (database versions not stated): gnomAD 0.00001; TOPMed 0.00001.
gnomAD v4.1: 2 of 1,614,034 alleles (0.00012%); highest among the groups gnomAD compares: Non-Finnish European, 0.000085%; no homozygotes.

Submissions (3):

CeGaT Center for Human Genetics Tuebingen
Classification: Uncertain significance. Last evaluated: 2026-08-01. Review status: criteria provided, single submitter. Criteria: CeGaT Center For Human Genetics Tuebingen Variant Classification Criteria Version 2. Collection method: clinical testing. Allele origin: germline. Affected: yes. Observed: 1 variant allele.

Labcorp Genetics (formerly Invitae), Labcorp
Classification: Uncertain significance. Last evaluated: 2025-10-22. Review status: criteria provided, single submitter. Criteria: Invitae Variant Classification Sherloc (09022015). Collection method: clinical testing. Allele origin: germline.
Comment: This sequence change replaces glutamine, which is neutral and polar, with histidine, which is basic and polar, at codon 1002 of the MACF1 protein (p.Gln1002His). This variant is not present in population databases (gnomAD no frequency). This variant has not been reported in the literature in individuals affected with MACF1-related conditions. ClinVar contains an entry for this variant (Variation ID: 2065209). An algorithm developed to predict the effect of missense changes on protein structure and function (PolyPhen-2) suggests that this variant is likely to be disruptive. In summary, the available evidence is currently insufficient to determine the role of this variant in disease. Therefore, it has been classified as a Variant of Uncertain Significance.

Ambry Genetics
Classification: Uncertain significance for Inborn genetic diseases. Last evaluated: 2025-08-22. Review status: criteria provided, single submitter. Criteria: Ambry Variant Classification Scheme 2023. Collection method: clinical testing. Allele origin: germline.

NM_001394062.1(MACF1):c.2991G>C (p.Gln997His)

Gene: MACF1 (microtubule actin crosslinking factor 1; plus strand). Cytogenetic location: 1p34.3.
Variant type: single nucleotide variant.
Coding change: c.2991G>C on transcript NM_001394062.1 (MANE Select); coding-DNA position 2991, G replaced by C.
Protein change: p.Gln997His; replaces glutamine 997 with histidine.
Molecular consequence: missense variant.
Genome position (GRCh38, 1-based): chr1:39,310,319, G>C. VCF-style: chr1-39310319-G-C. GRCh37 (hg19) VCF-style: chr1-39775991-G-C.
Other names: c.3006G>C (NM_012090.4); c.3006G>C, p.Gln1002His (NM_012090.5); short protein forms Q1002H, Q997H.
Identifiers: ClinVar variation 2065209 (VCV002065209.6), dbSNP rs752796678, ClinGen allele CA339778092.